The following is an entry in ClinVar:

NM_172351.3(CD46):c.721G>A (p.Gly241Arg)

Gene: CD46 (CD46 molecule; plus strand). Cytogenetic location: 1q32.2.
Variant type: single nucleotide variant.
Coding change: c.721G>A on transcript NM_172351.3 (MANE Select); coding-DNA position 721, G replaced by A.
Protein change: p.Gly241Arg; replaces glycine 241 with arginine.
Molecular consequence: missense variant.
Genome position (GRCh38, 1-based): chr1:207,767,060, G>A. VCF-style: chr1-207767060-G-A. GRCh37 (hg19) VCF-style: chr1-207940405-G-A.
Other names: c.721G>A, p.Gly241Arg (NM_002389.4, NM_153826.4, NM_172350.3 and 8 more transcripts); short protein forms G241R.
Identifiers: ClinVar variation 4291176 (VCV004291176.1).
Genomic context (GRCh38, chr1:207,767,060, plus strand): 5'-TCTAATTTTCCAGTGGTCAAATGTCGATTTCCAGTAGTCGAAAATGGAAAACAGATATCA[G>A]GATTTGGAAAAAAATTTTACTACAAAGCAACAGTTATGTTTGAATGCGATAAGGGTTTTT-3'
Protein context (NP_758861.1, residues 231-251): PVVENGKQIS[Gly241Arg]FGKKFYYKAT

ClinVar aggregate classification (germline): Uncertain significance (1 of 4 stars; one submission).

Conditions:
Atypical hemolytic-uremic syndrome. Identifiers: Orphanet 2134, MedGen C2931788, MONDO:0016244.

Submission:

Genomenon, Inc
Classification: Uncertain significance for Atypical hemolytic-uremic syndrome. Last evaluated: 2025-10-02. Review status: criteria provided, single submitter. Criteria: Genomenon Sequence Variant Interpretation Standards. Collection method: curation. Allele origin: germline. Affected: no.
Comment: CD46 p.Gly241Arg (c.721G>A) is a missense variant that changes the amino acid at residue 241 from Glycine to Arginine. This variant has been reported in the published literature (PMID:26283675). It is absent or not present at a significant frequency in gnomAD. In conclusion, we classify CD46 p.Gly241Arg (c.721G>A) as a variant of uncertain significance.

Literature cited by the submitters: PubMed 26283675.